The following is an entry in ClinVar:

ClinVar aggregate classification (germline): Uncertain significance (0 of 4 stars; one submission).

Conditions:
KIF5A-related disorder. Also called: KIF5A-related condition; KIF5A-related disorders.

Submission:

PreventionGenetics, part of Exact Sciences
Classification: Uncertain significance for KIF5A-related condition. Last evaluated: 2023-10-27. Review status: no assertion criteria provided. Collection method: clinical testing. Allele origin: germline.
Comment: The KIF5A c.575A>C variant is predicted to result in the amino acid substitution p.His192Pro. To our knowledge, this variant has not been reported in the literature or in a large population database, indicating this variant is rare. At this time, the clinical significance of this variant is uncertain due to the absence of conclusive functional and genetic evidence.

NM_004984.4(KIF5A):c.575A>C (p.His192Pro)

Gene: KIF5A (kinesin family member 5A; plus strand). Cytogenetic location: 12q13.3.
Variant type: single nucleotide variant.
Coding change: c.575A>C on transcript NM_004984.4 (MANE Select); coding-DNA position 575, A replaced by C.
Protein change: p.His192Pro; replaces histidine 192 with proline.
Molecular consequence: missense variant.
Genome position (GRCh38, 1-based): chr12:57,567,199, A>C. VCF-style: chr12-57567199-A-C. GRCh37 (hg19) VCF-style: chr12-57960982-A-C.
Other names: c.308A>C, p.His103Pro (NM_001354705.2); short protein forms H103P, H192P.
Identifiers: ClinVar variation 3033623 (VCV003033623.2), dbSNP rs1193407286, ClinGen allele CA385497945.
Genomic context (GRCh38, chr12:57,567,199, plus strand): 5'-GCTTTGTGTCCAGCCCGGAGGAGATTCTGGATGTGATTGATGAAGGGAAATCAAATCGTC[A>C]TGTGGCTGTCACCAGTGAGTGAGGATACAAGGGGATCTCTCGAGTCTGAGGATCCACTTG-3'
Protein context (NP_004975.2, residues 182-202): DVIDEGKSNR[His192Pro]VAVTNMNEHS